The following is an entry in ClinVar:

ClinVar aggregate classification (germline): Benign (1 of 4 stars; one submission).

Allele frequency attached by ClinVar (database versions not stated): 1000 Genomes Project 0.00200; 1000 Genomes Project 30x 0.00234; gnomAD 0.00421; TOPMed 0.00442.

Submission:

CeGaT Center for Human Genetics Tuebingen
Classification: Benign. Last evaluated: 2023-04-01. Review status: criteria provided, single submitter. Criteria: CeGaT Center For Human Genetics Tuebingen Variant Classification Criteria Version 2. Collection method: clinical testing. Allele origin: germline. Affected: yes. Observed: 3 variant alleles.
Comment: PRDM16: BS1, BS2

NM_022114.4(PRDM16):c.573+1410A>G

Gene: PRDM16 (PR/SET domain 16; plus strand). Cytogenetic location: 1p36.32.
Variant type: single nucleotide variant.
Coding change: c.573+1410A>G on transcript NM_022114.4 (MANE Select); 1410 bases into the intron after coding-DNA position 573, A replaced by G.
Molecular consequence: intron variant.
Genome position (GRCh38, 1-based): chr1:3,386,696, A>G. VCF-style: chr1-3386696-A-G. GRCh37 (hg19) VCF-style: chr1-3303260-A-G.
Other names: c.573+1410A>G (NM_199454.3).
Identifiers: ClinVar variation 2638093 (VCV002638093.24), dbSNP rs116170568, ClinGen allele CA543860.
Genomic context (GRCh38, chr1:3,386,696, plus strand): 5'-ATAAGAGCAGAACTTAAAAAAATTTTTTTCTTTCTTCCAGATGAAAGTGAAATTGGAGTG[A>G]AGGAAAATTGGGCTTGAGGCGCATAGAAGGACGGTCTTTCCGTCCCCTTCTGGGGCTCAG-3'